The following is an entry in ClinVar:

NM_001393586.1(MYO7B):c.4891A>C (p.Lys1631Gln)

Gene: MYO7B (myosin VIIB; plus strand). Cytogenetic location: 2q14.3.
Variant type: single nucleotide variant.
Coding change: c.4891A>C on transcript NM_001393586.1 (MANE Select); coding-DNA position 4891, A replaced by C.
Protein change: p.Lys1631Gln; replaces lysine 1631 with glutamine.
Molecular consequence: missense variant.
Genome position (GRCh38, 1-based): chr2:127,630,862, A>C. VCF-style: chr2-127630862-A-C. GRCh37 (hg19) VCF-style: chr2-128388437-A-C.
Other names: c.4813A>C, p.Lys1605Gln (NM_001080527.2); c.1372A>C, p.Lys458Gln (NM_001393594.1); short protein forms K1605Q, K1631Q, K458Q.
Identifiers: ClinVar variation 3037322 (VCV003037322.2), dbSNP rs138651379, ClinGen allele CA1862038.

ClinVar aggregate classification (germline): Benign (0 of 4 stars; one submission).

Conditions:
MYO7B-related disorder. Also called: MYO7B-related condition.

Allele frequency attached by ClinVar (database versions not stated): ESP Exome Variant Server 0.01778; TOPMed 0.01925; gnomAD 0.02254; 1000 Genomes Project 30x 0.02733; 1000 Genomes Project 0.02855; gnomAD exomes 0.03088; ExAC 0.04580.
gnomAD v4.1: 48,589 of 1,610,454 alleles (3%); highest among the groups gnomAD compares: South Asian, 11%; 1,210 homozygotes.

Submission:

PreventionGenetics, part of Exact Sciences
Classification: Benign for MYO7B-related condition. Last evaluated: 2019-04-08. Review status: no assertion criteria provided. Collection method: clinical testing. Allele origin: germline.
Comment: This variant is classified as benign based on ACMG/AMP sequence variant interpretation guidelines (Richards et al. 2015 PMID: 25741868, with internal and published modifications).